The following is an entry in ClinVar:

ClinVar aggregate classification (germline): Pathogenic/Likely pathogenic. Review status: criteria provided, multiple submitters, no conflicts (2 of 4 stars). 2 submissions from 2 submitters: Pathogenic (1); Likely pathogenic (1). Last evaluated 2022-06-13.

Conditions:
Heimler syndrome 2 (HMLR2). Also called: PEROXISOME BIOGENESIS DISORDER 4C. Identifiers: Orphanet 3220, MedGen C4225267, OMIM 616617, MONDO:0014709.
Peroxisome biogenesis disorder. Identifiers: Orphanet 79189, MedGen C1832200, MONDO:0019234. Disease mechanism: loss of function.

Submissions (2):

Labcorp Genetics (formerly Invitae), Labcorp
Classification: Pathogenic for Peroxisome biogenesis disorder. Last evaluated: 2022-06-13. Review status: criteria provided, single submitter. Criteria: Invitae Variant Classification Sherloc (09022015). Collection method: clinical testing. Allele origin: germline.
Comment: For these reasons, this variant has been classified as Pathogenic. This variant has not been reported in the literature in individuals affected with PEX6-related conditions. This variant is not present in population databases (gnomAD no frequency). This sequence change creates a premature translational stop signal (p.Glu772Glyfs*50) in the PEX6 gene. It is expected to result in an absent or disrupted protein product. Loss-of-function variants in PEX6 are known to be pathogenic (PMID: 8670792, 19877282, 21031596).

Baylor Genetics
Classification: Likely pathogenic for Heimler syndrome 2. Last evaluated: 2022-02-26. Review status: criteria provided, single submitter. Criteria: ACMG Guidelines, 2015. Collection method: clinical testing. Allele origin: unknown.

Literature cited by the submitters: PubMed 8670792 (cited by Labcorp Genetics (formerly Invitae), Labcorp); PubMed 19877282 (cited by Labcorp Genetics (formerly Invitae), Labcorp); PubMed 21031596 (cited by Labcorp Genetics (formerly Invitae), Labcorp).

NM_000287.4(PEX6):c.2315del (p.Glu772fs)

Gene: PEX6 (peroxisomal biogenesis factor 6; minus strand). Cytogenetic location: 6p21.1.
Variant type: Deletion.
Coding change: c.2315del on transcript NM_000287.4 (MANE Select); coding-DNA position 2315, one base deleted (A; older notation c.2315delA).
Protein change: p.Glu772fs; shifts the reading frame from glutamic acid 772.
Molecular consequence: frameshift variant.
Genome position (GRCh38, 1-based): chr6:42,966,091, T deleted on the plus strand (A on the coding strand, the reverse complement: PEX6 is on the minus strand). VCF-style (leftmost placement, unchanged base first): chr6-42966090-CT-C. GRCh37 (hg19) VCF-style: chr6-42933828-CT-C.
Other names: c.2051del, p.Glu684fs (NM_001316313.2); short protein forms E772fs, E684fs.
Identifiers: ClinVar variation 2089462 (VCV002089462.5), dbSNP rs2481205811, ClinGen allele CA2580074607.
Genomic context (GRCh38, chr6:42,966,090, plus strand): 5'-CCCTGCTCACTCACCTTCCCGCACATTCTCCTCACTTTGGCCCACATACATGTTAATGAG[CT>C]CTGGCCCCTTCACGCTGAGTGAGAGGATGTGAGAAGGTGAGAGCCGTCAGATGCACATAC-3'